The following is an entry in ClinVar:

ClinVar aggregate classification (germline): Uncertain significance. Review status: criteria provided, multiple submitters, no conflicts (2 of 4 stars). 4 submissions from 4 submitters: Uncertain significance (4). Last evaluated 2026-01-14.

Conditions:
Brugada syndrome 4 (BRGDA4). Identifiers: Orphanet 130, MedGen C2678477, MONDO:0012743, OMIM 611876.

Allele frequency attached by ClinVar (database versions not stated): gnomAD exomes 0.00006 and 0.00012; gnomAD 0.00007 and 0.00015; ESP Exome Variant Server 0.00008; ExAC 0.00009; TOPMed 0.00015.
gnomAD v4.1: 183 of 1,602,182 alleles (0.011%); highest among the groups gnomAD compares: Non-Finnish European, 0.014%; 1 homozygote.

Submissions (4):

GeneDx
Classification: Uncertain significance. Last evaluated: 2026-01-14. Review status: criteria provided, single submitter. Criteria: GeneDx Variant Classification Process June 2021. Collection method: clinical testing. Allele origin: germline. Affected: yes.
Comment: Reported in a patient with primary electrical disease, defined as cardiac arrhythmia in the absence of structural heart disease, but was also identified in the control cohort (PMID: 28341588); In silico analysis supports that this missense variant does not alter protein structure/function; Variants in candidate genes are classified as variants of uncertain significance in accordance with ACMG guidelines (PMID: 25741868); Reported using an alternate transcript of the gene; This variant is associated with the following publications: (PMID: 28341588)

Fulgent Genetics
Classification: Uncertain significance for Brugada syndrome 4. Last evaluated: 2021-09-23. Review status: criteria provided, single submitter. Criteria: ACMG Guidelines, 2015. Collection method: clinical testing. Allele origin: unknown.

ARUP Laboratories, Molecular Genetics and Genomics, ARUP Laboratories
Classification: Uncertain significance for Brugada syndrome 4. Last evaluated: 2020-10-04. Review status: criteria provided, single submitter. Criteria: ARUP Molecular Germline Variant Investigation Process 2021. Collection method: clinical testing. Allele origin: germline.
Comment: The CACNB2 c.104T>C, p.Leu35Pro variant (also annotated as NM_201590.2(CACNB2):c.-200087T>C; rs373263114), has been previously observed in a family with primary electrical disease (arrhythmia without structural defects); however, it did not segregate with all effected family members (Proost 2017). This variant is also found in the general population with an overall allele frequency of 0.006% (15/248,332 alleles) in the Genome Aggregation Database and is listed in ClinVar (Variation ID: 191429). The leucine at codon 35 is weakly conserved (Alamut v.2.11) and computational analyses predict conflicting effects of this variant on protein structure/function. Based on the available information, the clinical significance of this variant is uncertain. References: Proost D et al. Targeted Next-Generation Sequencing of 51 Genes Involved in Primary Electrical Disease. J Mol Diagn. 2017 May;19(3):445-459.

Biesecker Lab/Clinical Genomics Section, National Institutes of Health
Classification: Uncertain significance. Last evaluated: 2013-06-24. Review status: criteria provided, single submitter. Criteria: Ng et al. (Circ Cardiovasc Genet. 2013). Collection method: research. Allele origin: unknown. Observed: 1 variant allele. Study: ClinSeq.
Comment: The study set was not selected for affection status in relation to any cancer. Pathogenicity categories were based on literature curation. See Pubmed ID:23861362 for details.

Medical sequencing

NM_201596.3(CACNB2):c.104T>C (p.Leu35Pro)

Gene: CACNB2 (calcium voltage-gated channel auxiliary subunit beta 2; plus strand). Cytogenetic location: 10p12.33.
Variant type: single nucleotide variant.
Coding change: c.104T>C on transcript NM_201596.3 (MANE Select); coding-DNA position 104, T replaced by C.
Protein change: p.Leu35Pro; replaces leucine 35 with proline.
Molecular consequence: missense variant. On other transcripts: 5 prime UTR variant (3), genic upstream transcript variant (1).
Genome position (GRCh38, 1-based): chr10:18,140,840, T>C. VCF-style: chr10-18140840-T-C. GRCh37 (hg19) VCF-style: chr10-18429769-T-C.
Other names: c.-340T>C (NM_001167945.2, NM_201571.4, NM_201572.4); c.104T>C, p.Leu35Pro (NM_201593.3, NM_201597.3); c.-200087T>C (NM_201590.3); short protein forms L35P.
Identifiers: ClinVar variation 191429 (VCV000191429.13), dbSNP rs373263114, ClinGen allele CA236641.
Genomic context (GRCh38, chr10:18,140,840, plus strand): 5'-CGGCGGTGGCGCAGGAGATCCAGATGGAACTGCTAGAGAACGTGGCTCCCGCGGGGGCGC[T>C]CGGAGCCGCCGCACAGGTAGCGAGAGCGCGGCGCCTTCTCCTTCCTTTGTGAGCCGCCGG-3'
Protein context (NP_963890.2, residues 25-45): LLENVAPAGA[Leu35Pro]GAAAQSYGKG